The following is an entry in ClinVar:

ClinVar aggregate classification (germline): Pathogenic. Review status: criteria provided, multiple submitters, no conflicts (2 of 4 stars). 6 submissions from 6 submitters: Pathogenic (3). 3 of the submissions do not count toward it. Last evaluated 2024-05-14.

Conditions:
Megalencephalic leukoencephalopathy with subcortical cysts. Also called: VAN DER KNAAP DISEASE. Identifiers: Orphanet 2478, MedGen C1858854, MONDO:0011391.
Megalencephalic leukoencephalopathy with subcortical cysts 1 (MLC1). Also called: LEUKOENCEPHALOPATHY WITH SWELLING AND CYSTS; VACUOLATING MEGALENCEPHALIC LEUKOENCEPHALOPATHY WITH SUBCORTICAL CYSTS. Identifiers: Orphanet 2478, MedGen C5779875, MONDO:0024555, OMIM 604004.

Allele frequency attached by ClinVar (database versions not stated): gnomAD exomes below 0.00001; TOPMed below 0.00001; gnomAD 0.00003.

Submissions (6):

Natera, Inc.
Classification: Pathogenic for Megalencephalic leukoencephalopathy with subcortical cysts. Last evaluated: 2024-05-14. Review status: criteria provided, single submitter. Criteria: Natera Variant Classification Schema (03/2026). Collection method: clinical testing. Allele origin: germline.
Comment: The c.449_455delTCCTGCT variant in MLC1 is a frameshift variant predicted to shift the reading frame beginning at codon 150 and leads to a stop codon 9 codons downstream. This variant is expected to result in nonsense mediated decay, truncation, or a dysfunctional protein product. This variant is rare in the general population with a frequency below the threshold expected for the associated phenotype(s). This variant has been observed in one or more individuals affected with the associated recessive disease, as either homozygous or compound heterozygous with a second variant (PMID: 25497041). Given the available evidence, this variant is classified as Pathogenic.

Baylor Genetics
Classification: Pathogenic for Megalencephalic leukoencephalopathy with subcortical cysts 1. Last evaluated: 2024-02-11. Review status: criteria provided, single submitter. Criteria: ACMG Guidelines, 2015. Collection method: clinical testing. Allele origin: unknown.

Labcorp Genetics (formerly Invitae), Labcorp
Classification: Pathogenic. Last evaluated: 2023-04-28. Review status: criteria provided, single submitter. Criteria: Invitae Variant Classification Sherloc (09022015). Collection method: clinical testing. Allele origin: germline.
Comment: This sequence change creates a premature translational stop signal (p.Leu150Argfs*9) in the MLC1 gene. It is expected to result in an absent or disrupted protein product. Loss-of-function variants in MLC1 are known to be pathogenic (PMID: 11254442, 16470554, 24824219). This variant is present in population databases (no rsID available, gnomAD 0.007%). This premature translational stop signal has been observed in individual(s) with megalencephalic leukoencephalopathy with subcortical cysts (PMID: 11254442). This variant is also known as 564-570del (L149 frameshift). ClinVar contains an entry for this variant (Variation ID: 371207). For these reasons, this variant has been classified as Pathogenic.

Counsyl
Classification: Pathogenic for Megalencephalic leukoencephalopathy with subcortical cysts 1. Last evaluated: 2016-07-27. Review status: no assertion criteria provided. Collection method: clinical testing. Allele origin: unknown. Not counted in ClinVar's aggregate classification.

OMIM
Classification: Pathogenic for MEGALENCEPHALIC LEUKOENCEPHALOPATHY WITH SUBCORTICAL CYSTS 1. Last evaluated: 2001-04-01. Review status: no assertion criteria provided. Collection method: literature only. Allele origin: germline. Not counted in ClinVar's aggregate classification.

Myelin Disorders Clinic-Children's Medical Center/Medical Genetics Lab-Tarbiat Modares University, Children's Medical Center, Pediatrics Center of Excellence,
Classification: Uncertain significance for Megalencephalic leukoencephalopathy with subcortical cysts 1. Review status: no assertion criteria provided. Collection method: clinical testing. Allele origin: inherited. Inheritance: Autosomal recessive inheritance. Affected: yes. Not counted in ClinVar's aggregate classification.

Literature cited by the submitters: PubMed 25497041 (cited by Natera, Inc. and Counsyl); PubMed 11254442 (cited by 3 submitters); PubMed 16470554 (cited by Labcorp Genetics (formerly Invitae), Labcorp); PubMed 24824219 (cited by Labcorp Genetics (formerly Invitae), Labcorp); PubMed 21145992 (cited by Counsyl).

NM_015166.4(MLC1):c.449_455del (p.Leu150fs)

Gene: MLC1 (modulator of VRAC current 1; minus strand). Cytogenetic location: 22q13.33.
Variant type: Deletion.
Coding change: c.449_455del on transcript NM_015166.4 (MANE Select); coding-DNA positions 449 to 455, 7 bases deleted (TCCTGCT; older notation c.449_455delTCCTGCT).
Protein change: p.Leu150fs; shifts the reading frame from leucine 150.
Molecular consequence: frameshift variant. On other transcripts: non-coding transcript variant (3).
Genome position (GRCh38, 1-based): chr22:50,077,471-50,077,477, AGCAGGA deleted on the plus strand (TCCTGCT on the coding strand, the reverse complement: MLC1 is on the minus strand). VCF-style (leftmost placement, unchanged base first): chr22-50077470-CAGCAGGA-C. GRCh37 (hg19) VCF-style: chr22-50515899-CAGCAGGA-C.
Other names: c.449_455del7 (NM_015166.3); c.449_455del, p.Leu150fs (NM_001376472.1, NM_001376473.1, NM_001376474.1 and 6 more transcripts); c.359_365del, p.Leu120fs (NM_001376480.1); c.347_353del, p.Leu116fs (NM_001376481.1); c.293_299del, p.Leu98fs (NM_001376482.1, NM_001376483.1); c.212_218del, p.Leu71fs (NM_001376484.1); c.449_455delTCCTGCT (NM_015166.3); short protein forms L150fs, L116fs, L120fs, L71fs, L98fs.
Identifiers: ClinVar variation 371207 (VCV000371207.13), dbSNP rs1057517090, ClinGen allele CA16042028.
Genomic context (GRCh38, chr22:50,077,470, plus strand): 5'-CTTGCAGTCCTCCTCGCTGGACCGTGCAGCGATGATCACCGTGGCCGCCATGAGCAGCTC[CAGCAGGA>C]GCAGCAGGATGAGGTTGAAGTTGATCTGCCAAGGGGCACACACGCTTCAGCACCGGGCCC-3'